The following is an entry in ClinVar:

ClinVar aggregate classification (germline): Likely pathogenic (1 of 4 stars; one submission).

Conditions:
Primary ciliary dyskinesia 2. Also called: CILIARY DYSKINESIA, PRIMARY, 2, WITH OR WITHOUT SITUS INVERSUS. Identifiers: Orphanet 244, MedGen C1847554, MONDO:0011718, OMIM 606763.

Submission:

Juno Genomics, Hangzhou Juno Genomics, Inc
Classification: Likely pathogenic for Primary ciliary dyskinesia 2. Review status: criteria provided, single submitter. Criteria: ACMG Guidelines, 2015. Collection method: clinical testing. Allele origin: germline.
Comment: Null variant in a gene where loss of function (LOF) is a known mechanism of disease.;Absent from controls (or at extremely low frequency if recessive) in Genome Aggregation Database.

NM_001256715.2(DNAAF3):c.586del (p.His196fs)

Genes: DNAAF3 (dynein axonemal assembly factor 3; minus strand), DNAAF3-AS1 (DNAAF3 antisense RNA 1; plus strand). Cytogenetic location: 19q13.42.
Variant type: Deletion.
Coding change: c.586del on transcript NM_001256715.2 (MANE Select); coding-DNA position 586, one base deleted (C; older notation c.586delC).
Protein change: p.His196fs; shifts the reading frame from histidine 196.
Molecular consequence: frameshift variant.
Genome position (GRCh38, 1-based): chr19:55,161,720, G deleted on the plus strand (C on the coding strand, the reverse complement: DNAAF3 is on the minus strand); the first of 2 consecutive G bases (chr19:55,161,720-55,161,721); deleting either gives the same sequence. VCF-style (leftmost placement, unchanged base first): chr19-55161719-TG-T. GRCh37 (hg19) VCF-style: chr19-55673087-TG-T.
Other names: c.790del, p.His264fs (NM_001256714.1); c.424del, p.His142fs (NM_001256716.2); c.727del, p.His243fs (NM_178837.4); short protein forms H142fs, H243fs, H196fs, H264fs.
Identifiers: ClinVar variation 5006033 (VCV005006033.2).
Genomic context (GRCh38, chr19:55,161,719, plus strand): 5'-TTCATGCGCAGGTCCCAGTCGCTGACACCGCGCCGGGCGTCGTAGCGGGAGCCCAGGTAG[TG>T]GCGCAGGCGCGAGTCCCAGAGGCGGCTCATGGGGAACGCCTGGGGCCCTTTCTCGCCGCC-3'